The following is an entry in ClinVar:

NM_004793.4(LONP1):c.679_684dup (p.Glu228_Ala229insProGlu)

Gene: LONP1 (lon peptidase 1, mitochondrial; minus strand). Cytogenetic location: 19p13.3.
Variant type: Duplication.
Coding change: c.679_684dup on transcript NM_004793.4 (MANE Select); coding-DNA positions 679 to 684, 6 bases duplicated (CCGGAG; older notation c.679_684dupCCGGAG).
Protein change: p.Glu228_Ala229insProGlu.
Molecular consequence: non-coding transcript variant (on NR_076392.2).
Genome position (GRCh38, 1-based): chr19:5,711,957-5,711,962, CTCCGG duplicated on the plus strand (CCGGAG on the coding strand, the reverse complement: LONP1 is on the minus strand); duplicating any 6 consecutive bases within chr19:5,711,957-5,711,966 gives the same sequence; the c. name uses the placement nearest the transcript's 3' end. VCF-style (leftmost placement, unchanged base first): chr19-5711956-C-CCTCCGG. GRCh37 (hg19) VCF-style: chr19-5711967-C-CCTCCGG.
Other names: c.487_492dup, p.Glu164_Ala165insProGlu (NM_001276479.2); c.91_96dup, p.Glu32_Ala33insProGlu (NM_001276480.1).
Identifiers: ClinVar variation 3688644 (VCV003688644.2).
Genomic context (GRCh38, chr19:5,711,956, plus strand): 5'-CGTCCTCCGCCTCCTTCTTGCCCCGCTTTGACTTCCTGCGGGGCTTGTGCTTGTTCTCCG[C>CCTCCGG]CTCCGGCTCCTCGGGCTCCACCTCCAGCTGTCTGCTGATATGGACTCTGACACGGGAGCA-3'

ClinVar aggregate classification (germline): Uncertain significance (1 of 4 stars; one submission).

Submission:

Labcorp Genetics (formerly Invitae), Labcorp
Classification: Uncertain significance. Last evaluated: 2025-01-20. Review status: criteria provided, single submitter. Criteria: Invitae Variant Classification Sherloc (09022015). Collection method: clinical testing. Allele origin: germline.
Comment: This variant, c.679_684dup, results in the insertion of 2 amino acid(s) of the LONP1 protein (p.Pro227_Glu228dup), but otherwise preserves the integrity of the reading frame. This variant is present in population databases (rs772766679, gnomAD 0.03%). This variant has not been reported in the literature in individuals affected with LONP1-related conditions. In summary, the available evidence is currently insufficient to determine the role of this variant in disease. Therefore, it has been classified as a Variant of Uncertain Significance.